The following is an entry in ClinVar:

NM_001387430.1(SH2B1):c.1683G>A (p.Arg561=)

Gene: SH2B1 (SH2B adaptor protein 1; plus strand). Cytogenetic location: 16p11.2.
Variant type: single nucleotide variant.
Coding change: c.1683G>A on transcript NM_001387430.1 (MANE Select); coding-DNA position 1683, G replaced by A.
Protein change: p.Arg561=; no amino-acid change (arginine 561 retained).
Molecular consequence: synonymous variant.
Genome position (GRCh38, 1-based): chr16:28,872,359, G>A. VCF-style: chr16-28872359-G-A. GRCh37 (hg19) VCF-style: chr16-28883680-G-A.
Other names: c.1683G>A, p.Arg561= (NM_001145795.2, NM_001145796.2, NM_001145797.2 and 4 more transcripts); c.675G>A, p.Arg225= (NM_001308294.2).
Identifiers: ClinVar variation 730016 (VCV000730016.4), dbSNP rs200801299, ClinGen allele CA7986270.
Genomic context (GRCh38, chr16:28,872,359, plus strand): 5'-GCTGACTGGCGGCACTGGCTCCCACGGTGTCTTCCTGGTGCGCCAGAGTGAGACAAGGCG[G>A]GGTGAATACGTCCTCACCTTCAACTTCCAGGGCAAGGCCAAGGTGAGCCACCCTGTGGGA-3'
Protein context (NP_001374359.1, residues 551-571): VFLVRQSETR[Arg561=]GEYVLTFNFQ

ClinVar aggregate classification (germline): Likely benign. Review status: criteria provided, single submitter (1 of 4 stars). 2 submissions from 2 submitters: Likely benign (1). 1 of the submissions does not count toward it. Last evaluated 2017-11-29.

Conditions:
SH2B1-related disorder. Also called: SH2B1-related condition.

Allele frequency attached by ClinVar (database versions not stated): gnomAD exomes 0.00001 and 0.00004; ExAC 0.00005; gnomAD 0.00008 and 0.00009; TOPMed 0.00008; 1000 Genomes Project 0.00060; 1000 Genomes Project 30x 0.00078.
gnomAD v4.1: 28 of 1,612,810 alleles (0.0017%); highest among the groups gnomAD compares: African/African-American, 0.036%; no homozygotes.

Submissions (2):

Labcorp Genetics (formerly Invitae), Labcorp
Classification: Likely benign. Last evaluated: 2017-11-29. Review status: criteria provided, single submitter. Criteria: Invitae Variant Classification Sherloc (09022015). Collection method: clinical testing. Allele origin: germline.

PreventionGenetics, part of Exact Sciences
Classification: Likely benign for SH2B1-related condition. Last evaluated: 2021-01-20. Review status: no assertion criteria provided. Collection method: clinical testing. Allele origin: germline. Not counted in ClinVar's aggregate classification.
Comment: This variant is classified as likely benign based on ACMG/AMP sequence variant interpretation guidelines (Richards et al. 2015 PMID: 25741868, with internal and published modifications).